The following is an entry in ClinVar:

ClinVar aggregate classification (germline): Uncertain significance. Review status: criteria provided, multiple submitters, no conflicts (2 of 4 stars). 2 submissions from 2 submitters: Uncertain significance (2). Last evaluated 2025-10-19.

Conditions:
Autosomal recessive limb-girdle muscular dystrophy type 2J (LGMDR10). Also called: Limb-girdle muscular dystrophy, type 2J; MUSCULAR DYSTROPHY, LIMB-GIRDLE, AUTOSOMAL RECESSIVE 10. Identifiers: Orphanet 140922, MedGen C1837342, MONDO:0012127, OMIM 608807.
Dilated cardiomyopathy 1G (CMD1G). Identifiers: Orphanet 154, MedGen C1858763, MONDO:0011400, OMIM 604145.

gnomAD v4.1: 1 of 1,613,998 alleles (0.000062%); no homozygotes.

Submissions (2):

Labcorp Genetics (formerly Invitae), Labcorp
Classification: Uncertain significance for Dilated cardiomyopathy 1G; Autosomal recessive limb-girdle muscular dystrophy type 2J. Last evaluated: 2025-10-19. Review status: criteria provided, single submitter. Criteria: Invitae Variant Classification Sherloc (09022015). Collection method: clinical testing. Allele origin: germline.
Comment: This sequence change replaces histidine, which is basic and polar, with arginine, which is basic and polar, at codon 34144 of the TTN protein (p.His34144Arg). This variant is not present in population databases (gnomAD no frequency). This variant has not been reported in the literature in individuals affected with TTN-related conditions. ClinVar contains an entry for this variant (Variation ID: 534976). Experimental studies and prediction algorithms are not available or were not evaluated, and the functional significance of this variant is currently unknown. This variant is located in the M band of TTN (PMID: 25589632). Non-truncating variants in this region may be relevant for neuromuscular disorders, but have not been definitively shown to cause cardiomyopathy (PMID: 23975875). In summary, the available evidence is currently insufficient to determine the role of this variant in disease. Therefore, it has been classified as a Variant of Uncertain Significance.

Women's Health and Genetics/Laboratory Corporation of America, LabCorp
Classification: Uncertain significance. Last evaluated: 2024-12-16. Review status: criteria provided, single submitter. Criteria: LabCorp Variant Classification Summary - May 2015. Collection method: clinical testing. Allele origin: germline.

Literature cited by the submitters: PubMed 25589632 (cited by Labcorp Genetics (formerly Invitae), Labcorp); PubMed 23975875 (cited by Labcorp Genetics (formerly Invitae), Labcorp).

NM_001267550.2(TTN):c.102431A>G (p.His34144Arg)

Genes: TTN-AS1 (TTN antisense RNA 1; plus strand), TTN (titin; minus strand). Cytogenetic location: 2q31.2.
Variant type: single nucleotide variant.
Coding change: c.102431A>G on transcript NM_001267550.2 (MANE Select); coding-DNA position 102431, A replaced by G.
Protein change: p.His34144Arg; replaces histidine 34144 with arginine.
Molecular consequence: missense variant.
Genome position (GRCh38, 1-based): chr2:178,534,184, T>C on the plus strand (A>G on the coding strand, the complement: TTN is on the minus strand). VCF-style: chr2-178534184-T-C. GRCh37 (hg19) VCF-style: chr2-179398911-T-C.
Other names: c.97508A>G, p.His32503Arg (NM_001256850.1); c.75236A>G, p.His25079Arg (NM_003319.4); c.94727A>G, p.His31576Arg (NM_133378.4); c.75611A>G, p.His25204Arg (NM_133432.3); c.75812A>G, p.His25271Arg (NM_133437.4); short protein forms H34144R, H25271R, H25204R, H25079R, H31576R, H32503R.
Identifiers: ClinVar variation 534976 (VCV000534976.10), dbSNP rs1553495003, ClinGen allele CA349417554.